The following is an entry in ClinVar:

ClinVar aggregate classification (germline): Benign. Review status: criteria provided, multiple submitters, no conflicts (2 of 4 stars). 2 submissions from 2 submitters: Benign (2). Last evaluated 2018-06-19.

Allele frequency attached by ClinVar (database versions not stated): gnomAD 0.12630 and 0.13758; TOPMed 0.13226; gnomAD exomes 0.17708 and 0.18935; 1000 Genomes Project 30x 0.21799; 1000 Genomes Project 0.22504; ExAC 0.26092.
gnomAD v4.1: 76,415 of 467,140 alleles (16%); highest among the groups gnomAD compares: East Asian, 44%; 8,295 homozygotes.

Submissions (2):

GeneDx
Classification: Benign. Last evaluated: 2018-06-19. Review status: criteria provided, single submitter. Criteria: GeneDx Variant Classification (06012015). Collection method: clinical testing. Allele origin: germline. Affected: yes.
Comment: This variant is considered likely benign or benign based on one or more of the following criteria: it is a conservative change, it occurs at a poorly conserved position in the protein, it is predicted to be benign by multiple in silico algorithms, and/or has population frequency not consistent with disease.

Breakthrough Genomics
Classification: Benign. Review status: criteria provided, single submitter. Criteria: ACMG Guidelines, 2015. Collection method: not provided. Allele origin: germline. Inheritance: Autosomal dominant inheritance. Affected: yes.

NM_001018005.2(TPM1):c.240+4065A>G

Genes: TPM1 (tropomyosin 1; plus strand), TPM1-AS (TPM1 antisense RNA; minus strand), LOC130057222 (ATAC-STARR-seq lymphoblastoid silent region 6507; plus strand). Cytogenetic location: 15q22.2.
Variant type: single nucleotide variant.
Coding change: c.240+4065A>G on transcript NM_001018005.2 (MANE Select); 4065 bases into the intron after coding-DNA position 240, A replaced by G.
Molecular consequence: intron variant. On other transcripts: non-coding transcript variant (1).
Genome position (GRCh38, 1-based): chr15:63,048,217, A>G. VCF-style: chr15-63048217-A-G. GRCh37 (hg19) VCF-style: chr15-63340416-A-G.
Other names: c.366+4065A>G (NM_001365778.1); c.240+4386A>G (NM_001018020.2, NM_001018007.2, NM_001301244.2); c.240+4065A>G (NM_001018006.2, NM_001365776.1, NM_001018004.2 and 3 more transcripts).
Identifiers: ClinVar variation 668731 (VCV000668731.2), dbSNP rs73431508, ClinGen allele CA028027.